The following is an entry in ClinVar:

ClinVar aggregate classification (germline): Pathogenic/Likely pathogenic. Review status: criteria provided, multiple submitters, no conflicts (2 of 4 stars). 2 submissions from 2 submitters: Pathogenic (1); Likely pathogenic (1). Last evaluated 2024-12-02.

Submissions (2):

Dasa
Classification: Pathogenic. Last evaluated: 2024-12-02. Review status: criteria provided, single submitter. Criteria: DASA Assertion Criteria. Collection method: clinical testing. Allele origin: germline.
Comment: NM_001457.4(FLNB):c.4390+2T>C introduces a premature termination codon predicted to result in loss of normal protein function. Loss-of-function is an established mechanism of disease for this gene. The variant is present at low frequency in population datasets. Based on the available data, this variant is classified as pathogenic.

Labcorp Genetics (formerly Invitae), Labcorp
Classification: Likely pathogenic. Last evaluated: 2023-09-04. Review status: criteria provided, single submitter. Criteria: Invitae Variant Classification Sherloc (09022015). Collection method: clinical testing. Allele origin: germline.
Comment: In summary, the currently available evidence indicates that the variant is pathogenic, but additional data are needed to prove that conclusively. Therefore, this variant has been classified as Likely Pathogenic. Algorithms developed to predict the effect of sequence changes on RNA splicing suggest that this variant may disrupt the consensus splice site. This variant has not been reported in the literature in individuals affected with FLNB-related conditions. This variant is not present in population databases (gnomAD no frequency). This sequence change affects a donor splice site in intron 25 of the FLNB gene. It is expected to disrupt RNA splicing. Variants that disrupt the donor or acceptor splice site typically lead to a loss of protein function (PMID: 16199547), and loss-of-function variants in FLNB are known to be pathogenic (PMID: 14991055).

Literature cited by the submitters: PubMed 16199547 (cited by Labcorp Genetics (formerly Invitae), Labcorp); PubMed 14991055 (cited by Labcorp Genetics (formerly Invitae), Labcorp).

NM_001457.4(FLNB):c.4390+2T>C

Gene: FLNB (filamin B; plus strand). Cytogenetic location: 3p14.3.
Variant type: single nucleotide variant.
Coding change: c.4390+2T>C on transcript NM_001457.4 (MANE Select); the canonical splice donor site of the intron after coding-DNA position 4390, T replaced by C.
Molecular consequence: splice donor variant.
Genome position (GRCh38, 1-based): chr3:58,130,910, T>C. VCF-style: chr3-58130910-T-C. GRCh37 (hg19) VCF-style: chr3-58116637-T-C.
Other names: c.4390+2T>C (NM_001164317.2, NM_001164318.2, NM_001164319.2).
Identifiers: ClinVar variation 2842728 (VCV002842728.4), dbSNP rs745381057, ClinGen allele CA75455386.